The following is an entry in ClinVar:

ClinVar aggregate classification (germline): Uncertain significance. Review status: criteria provided, multiple submitters, no conflicts (2 of 4 stars). 2 submissions from 2 submitters: Uncertain significance (2). Last evaluated 2024-10-07.

Conditions:
Inborn genetic diseases. Identifiers: MedGen C0950123, MeSH D030342.

Allele frequency attached by ClinVar (database versions not stated): gnomAD 0.00001; gnomAD exomes 0.00001 and 0.00003; ExAC 0.00002; TOPMed 0.00003; ESP Exome Variant Server 0.00015.
gnomAD v4.1: 50 of 1,614,018 alleles (0.0031%); highest among the groups gnomAD compares: Non-Finnish European, 0.0036%; no homozygotes.

Submissions (2):

Ambry Genetics
Classification: Uncertain significance for Inborn genetic diseases. Last evaluated: 2024-10-07. Review status: criteria provided, single submitter. Criteria: Ambry Variant Classification Scheme 2023. Collection method: clinical testing. Allele origin: germline.

Labcorp Genetics (formerly Invitae), Labcorp
Classification: Uncertain significance. Last evaluated: 2021-08-14. Review status: criteria provided, single submitter. Criteria: Invitae Variant Classification Sherloc (09022015). Collection method: clinical testing. Allele origin: germline.
Comment: This sequence change replaces arginine with tryptophan at codon 222 of the HSPG2 protein (p.Arg222Trp). The arginine residue is moderately conserved and there is a moderate physicochemical difference between arginine and tryptophan. This variant is present in population databases (rs369960161, ExAC 0.003%). This variant has not been reported in the literature in individuals affected with HSPG2-related conditions. Algorithms developed to predict the effect of missense changes on protein structure and function are either unavailable or do not agree on the potential impact of this missense change (SIFT: "Tolerated"; PolyPhen-2: "Probably Damaging"; Align-GVGD: "Class C0"). In summary, the available evidence is currently insufficient to determine the role of this variant in disease. Therefore, it has been classified as a Variant of Uncertain Significance.

NM_005529.7(HSPG2):c.664C>T (p.Arg222Trp)

Gene: HSPG2 (heparan sulfate proteoglycan 2; minus strand). Cytogenetic location: 1p36.12.
Variant type: single nucleotide variant.
Coding change: c.664C>T on transcript NM_005529.7 (MANE Select); coding-DNA position 664, C replaced by T.
Protein change: p.Arg222Trp; replaces arginine 222 with tryptophan.
Molecular consequence: missense variant.
Genome position (GRCh38, 1-based): chr1:21,887,977, G>A on the plus strand (C>T on the coding strand, the complement: HSPG2 is on the minus strand). VCF-style: chr1-21887977-G-A. GRCh37 (hg19) VCF-style: chr1-22214470-G-A.
Other names: c.664C>T, p.Arg222Trp (NM_001291860.2); c.664C>T (NM_005529.5); short protein forms R222W.
Identifiers: ClinVar variation 1475196 (VCV001475196.6), dbSNP rs369960161, ClinGen allele CA673746.